The following is an entry in ClinVar:

NM_017763.6(RNF43):c.450+5C>T

Gene: RNF43 (ring finger protein 43; minus strand). Cytogenetic location: 17q22.
Variant type: single nucleotide variant.
Coding change: c.450+5C>T on transcript NM_017763.6 (MANE Select); 5 bases into the intron after coding-DNA position 450, C replaced by T.
Molecular consequence: intron variant.
Genome position (GRCh38, 1-based): chr17:58,363,521, G>A on the plus strand (C>T on the coding strand, the complement: RNF43 is on the minus strand). VCF-style: chr17-58363521-G-A. GRCh37 (hg19) VCF-style: chr17-56440882-G-A.
Other names: c.450+5C>T (NM_001438822.1, NM_001305544.3, NM_001438820.1 and 1 more transcripts); c.69+5C>T (NM_001305545.2, NM_001437987.1).
Identifiers: ClinVar variation 4863372 (VCV004863372.1).

ClinVar aggregate classification (germline): Uncertain significance (1 of 4 stars; one submission).

Submission:

Ambry Genetics
Classification: Uncertain significance. Last evaluated: 2026-06-11. Review status: criteria provided, single submitter. Criteria: Ambry Variant Classification Scheme 2023. Collection method: clinical testing. Allele origin: germline.
Comment: The c.450+5C>T intronic variant results from a C to T substitution 5 nucleotides after coding exon 3 in the RNF43 gene. This nucleotide position is well conserved in available vertebrate species. In silico splice site analysis predicts that this alteration will not have any significant effect on splicing. The evidence for this gene-disease relationship is limited; therefore, the clinical significance of this variant is unclear.